The following is an entry in ClinVar:

NM_015474.4(SAMHD1):c.1169del (p.Phe390fs)

Gene: SAMHD1 (SAM and HD domain containing deoxynucleoside triphosphate triphosphohydrolase 1; minus strand). Cytogenetic location: 20q11.23.
Variant type: Deletion.
Coding change: c.1169del on transcript NM_015474.4 (MANE Select); coding-DNA position 1169, one base deleted (T; older notation c.1169delT).
Protein change: p.Phe390fs; shifts the reading frame from phenylalanine 390.
Molecular consequence: frameshift variant.
Genome position (GRCh38, 1-based): chr20:36,911,319, A deleted on the plus strand (T on the coding strand, the reverse complement: SAMHD1 is on the minus strand); the first of 3 consecutive A bases (chr20:36,911,319-36,911,321); deleting any one gives the same sequence. VCF-style (leftmost placement, unchanged base first): chr20-36911318-GA-G. GRCh37 (hg19) VCF-style: chr20-35539721-GA-G.
Other names: c.1169del, p.Phe390fs (NM_001363729.2, NM_001363733.2); short protein forms F390fs.
Identifiers: ClinVar variation 2811539 (VCV002811539.3), dbSNP rs2515236292, ClinGen allele CA2739277152.

ClinVar aggregate classification (germline): Pathogenic (1 of 4 stars; one submission).

Conditions:
Aicardi-Goutieres syndrome 5. Identifiers: Orphanet 51, MedGen C2749659, MONDO:0013059, OMIM 612952.

Submission:

Labcorp Genetics (formerly Invitae), Labcorp
Classification: Pathogenic for Aicardi-Goutieres syndrome 5. Last evaluated: 2022-11-02. Review status: criteria provided, single submitter. Criteria: Invitae Variant Classification Sherloc (09022015). Collection method: clinical testing. Allele origin: germline.
Comment: For these reasons, this variant has been classified as Pathogenic. This variant has not been reported in the literature in individuals affected with SAMHD1-related conditions. This variant is not present in population databases (gnomAD no frequency). This sequence change creates a premature translational stop signal (p.Phe390Serfs*8) in the SAMHD1 gene. It is expected to result in an absent or disrupted protein product. Loss-of-function variants in SAMHD1 are known to be pathogenic (PMID: 19525956, 22461318).

Literature cited by the submitters: PubMed 19525956; PubMed 22461318.